The following is an entry in ClinVar:

ClinVar aggregate classification (germline): Uncertain significance (1 of 4 stars; one submission).

Submission:

Labcorp Genetics (formerly Invitae), Labcorp
Classification: Uncertain significance. Last evaluated: 2024-12-02. Review status: criteria provided, single submitter. Criteria: Invitae Variant Classification Sherloc (09022015). Collection method: clinical testing. Allele origin: germline.
Comment: This sequence change replaces leucine, which is neutral and non-polar, with valine, which is neutral and non-polar, at codon 29 of the ELOVL1 protein (p.Leu29Val). This variant is not present in population databases (gnomAD no frequency). This variant has not been reported in the literature in individuals affected with ELOVL1-related conditions. ClinVar contains an entry for this variant (Variation ID: 2745686). Invitae Evidence Modeling of protein sequence and biophysical properties (such as structural, functional, and spatial information, amino acid conservation, physicochemical variation, residue mobility, and thermodynamic stability) indicates that this missense variant is not expected to disrupt ELOVL1 protein function with a negative predictive value of 80%. In summary, the available evidence is currently insufficient to determine the role of this variant in disease. Therefore, it has been classified as a Variant of Uncertain Significance.

NM_022821.4(ELOVL1):c.85T>G (p.Leu29Val)

Gene: ELOVL1 (ELOVL fatty acid elongase 1; minus strand). Cytogenetic location: 1p34.2.
Variant type: single nucleotide variant.
Coding change: c.85T>G on transcript NM_022821.4 (MANE Select); coding-DNA position 85, T replaced by G.
Protein change: p.Leu29Val; replaces leucine 29 with valine.
Molecular consequence: missense variant. On other transcripts: non-coding transcript variant (1), intron variant (1).
Genome position (GRCh38, 1-based): chr1:43,365,338, A>C on the plus strand (T>G on the coding strand, the complement: ELOVL1 is on the minus strand). VCF-style: chr1-43365338-A-C. GRCh37 (hg19) VCF-style: chr1-43831009-A-C.
Other names: c.85T>G, p.Leu29Val (NM_001256399.2, NM_001256401.2); c.-7+226T>G (NM_001256402.2); short protein forms L29V.
Identifiers: ClinVar variation 2745686 (VCV002745686.3), dbSNP rs2545707183, ClinGen allele CA340017792.